The following is an entry in ClinVar:

ClinVar aggregate classification (germline): Pathogenic (1 of 4 stars; one submission).

Conditions:
Severe intellectual disability-poor language-strabismus-grimacing face-long fingers syndrome (GAND). Also called: GAND SYNDROME. Identifiers: Orphanet 363686, MedGen C3554448, MONDO:0014034, OMIM 615074.

Submission:

Juno Genomics, Hangzhou Juno Genomics, Inc
Classification: Pathogenic for Severe intellectual disability-poor language-strabismus-grimacing face-long fingers syndrome. Review status: criteria provided, single submitter. Criteria: ACMG Guidelines, 2015. Collection method: clinical testing. Allele origin: germline. Affected: yes.
Comment: Absent from controls (or at extremely low frequency if recessive) in Genome Aggregation Database.;De novo (both maternity and paternity confirmed) in a patient with the disease and no family history.;Null variant in a gene where loss of function (LOF) is a known mechanism of disease.

NM_020699.4(GATAD2B):c.308_313delinsTT (p.Glu103fs)

Gene: GATAD2B (GATA zinc finger domain containing 2B; minus strand). Cytogenetic location: 1q21.3.
Variant type: Indel.
Coding change: c.308_313delinsTT on transcript NM_020699.4 (MANE Select); coding-DNA positions 308 to 313, AGCCTG replaced by TT.
Protein change: p.Glu103fs; shifts the reading frame from glutamic acid 103.
Molecular consequence: frameshift variant.
Genome position (GRCh38, 1-based): chr1:153,828,035-153,828,040, CAGGCT replaced by AA on the plus strand (AGCCTG replaced by TT on the coding strand, the reverse complement: GATAD2B is on the minus strand). VCF-style: chr1-153828035-CAGGCT-AA. GRCh37 (hg19) VCF-style: chr1-153800511-CAGGCT-AA.
Other names: short protein forms E103fs.
Identifiers: ClinVar variation 5007618 (VCV005007618.1).